The following is an entry in ClinVar:

NM_001065.4(TNFRSF1A):c.280A>T (p.Asn94Tyr)

Gene: TNFRSF1A (TNF receptor superfamily member 1A; minus strand). Cytogenetic location: 12p13.31.
Variant type: single nucleotide variant.
Coding change: c.280A>T on transcript NM_001065.4 (MANE Select); coding-DNA position 280, A replaced by T.
Protein change: p.Asn94Tyr; replaces asparagine 94 with tyrosine.
Molecular consequence: missense variant. On other transcripts: 5 prime UTR variant (2), non-coding transcript variant (1).
Genome position (GRCh38, 1-based): chr12:6,333,779, T>A on the plus strand (A>T on the coding strand, the complement: TNFRSF1A is on the minus strand). VCF-style: chr12-6333779-T-A. GRCh37 (hg19) VCF-style: chr12-6442945-T-A.
Other names: c.-45A>T (NM_001346091.2); c.-298A>T (NM_001346092.2); short protein forms N94Y.
Identifiers: ClinVar variation 846222 (VCV000846222.9), dbSNP rs1948083279, ClinGen allele CA383550501.

ClinVar aggregate classification (germline): Uncertain significance (1 of 4 stars; one submission).

Conditions:
TNF receptor-associated periodic fever syndrome (TRAPS) (FPF). Also called: TNF RECEPTOR-ASSOCIATED PERIODIC SYNDROME; TUMOR NECROSIS FACTOR RECEPTOR-ASSOCIATED PERIODIC SYNDROME; FAMILIAL HIBERNIAN FEVER; TNF receptor 1-associated periodic fever syndrome; TNF Receptor-Associated Periodic Fever Syndrome; Autosomal Dominant Familial Periodic Fever. Identifiers: Orphanet 32960, MedGen C1275126, MONDO:0007727, OMIM 142680.

Submission:

Labcorp Genetics (formerly Invitae), Labcorp
Classification: Uncertain significance for TNF receptor-associated periodic fever syndrome (TRAPS). Last evaluated: 2019-04-24. Review status: criteria provided, single submitter. Criteria: Invitae Variant Classification Sherloc (09022015). Collection method: clinical testing. Allele origin: germline.
Comment: This variant is not present in population databases (ExAC no frequency). This variant has not been reported in the literature in individuals with TNFRSF1A-related conditions. Algorithms developed to predict the effect of missense changes on protein structure and function (SIFT, PolyPhen-2, Align-GVGD) all suggest that this variant is likely to be disruptive, but these predictions have not been confirmed by published functional studies and their clinical significance is uncertain. In summary, the available evidence is currently insufficient to determine the role of this variant in disease. Therefore, it has been classified as a Variant of Uncertain Significance. This sequence change replaces asparagine with tyrosine at codon 94 of the TNFRSF1A protein (p.Asn94Tyr). The asparagine residue is highly conserved and there is a large physicochemical difference between asparagine and tyrosine.